The following is an entry in ClinVar:

ClinVar aggregate classification (germline): Pathogenic (1 of 4 stars; one submission).

Conditions:
Myopathy, myofibrillar, 13, with rimmed vacuoles. Also called: RIMMED VACUOLAR MYOPATHY; Autosomal dominant distal axonal motor neuropathy-myofibrillar myopathy syndrome. Identifiers: Orphanet 476093, MedGen C5568137, MONDO:0976133, OMIM 621078.

Submission:

Rare Disease Medical Center, Peking University
Classification: Pathogenic for Myopathy, myofibrillar, 13, with rimmed vacuoles. Review status: criteria provided, single submitter. Criteria: ACMG Guidelines, 2015. Collection method: clinical testing. Allele origin: maternal. Inheritance: Autosomal dominant inheritance. Affected: yes. Observed: 1 heterozygote.
Comment: Mutations in 19 different genes, including HSPB8, have been identified as causes of MFM(Li et al. 2024). Recent studies have confirmed MFM is the predominant phenotype of frameshit mutations in HSPB8(Echaniz-Laguna et al. 2017; Al-Tahan et al. 2019; Nicolau et al. 2020; Inoue-Shibui et al. 2021; Tedesco et al. 2023; Cortese et al. 2018; Ghaoui et al. 2016). These mutations lead to a C-terminal extension of HSPB8 and disrupt the chaperone-assisted selective autophagy mechanism, resulting in proteostasis failure and the accumulation of misfolded proteins(Tedesco et al. 2023). So we think the c.538_542del variant in the HSPB8 gene meets the criteria of ACMG Guidelines (PMID:25741868) to be classified as pathogenic.

NM_014365.3(HSPB8):c.538_542del (p.Ser180fs)

Gene: HSPB8 (heat shock protein family B (small) member 8; plus strand). Cytogenetic location: 12q24.23.
Variant type: Deletion.
Coding change: c.538_542del on transcript NM_014365.3 (MANE Select); coding-DNA positions 538 to 542, 5 bases deleted (AGCAG; older notation c.538_542delAGCAG).
Protein change: p.Ser180fs; shifts the reading frame from serine 180.
Molecular consequence: frameshift variant.
Genome position (GRCh38, 1-based): chr12:119,193,805-119,193,809, AGCAG deleted; deleting any 5 consecutive bases within chr12:119,193,803-119,193,809 gives the same sequence; the c. name uses the placement nearest the transcript's 3' end. VCF-style (leftmost placement, unchanged base first): chr12-119193802-GAGAGC-G. GRCh37 (hg19) VCF-style: chr12-119631607-GAGAGC-G.
Other names: c.538_542delAGCAG, p.Ser180Phefs (NM_014365.2); short protein forms S180fs.
Identifiers: ClinVar variation 3767297 (VCV003767297.2).